The following is an entry in ClinVar:

ClinVar aggregate classification (germline): Pathogenic (1 of 4 stars; one submission).

Conditions:
Primary ciliary dyskinesia. Also called: Ciliary dyskinesia. Identifiers: Orphanet 244, MedGen C0008780, MONDO:0016575, HP:0012265.

Allele frequency attached by ClinVar (database versions not stated): ExAC 0.00001; ESP Exome Variant Server 0.00008.
gnomAD v4.1: 6 of 1,613,080 alleles (0.00037%); highest among the groups gnomAD compares: Non-Finnish European, 0.00042%; no homozygotes.

Submission:

Labcorp Genetics (formerly Invitae), Labcorp
Classification: Pathogenic for Primary ciliary dyskinesia. Last evaluated: 2023-12-31. Review status: criteria provided, single submitter. Criteria: Invitae Variant Classification Sherloc (09022015). Collection method: clinical testing. Allele origin: germline.
Comment: This sequence change creates a premature translational stop signal (p.Tyr1313*) in the DNAH11 gene. It is expected to result in an absent or disrupted protein product. Loss-of-function variants in DNAH11 are known to be pathogenic (PMID: 18022865, 20513915, 22184204). This variant is present in population databases (rs376470998, gnomAD 0.007%). This variant has not been reported in the literature in individuals affected with DNAH11-related conditions. For these reasons, this variant has been classified as Pathogenic.

Literature cited by the submitters: PubMed 18022865; PubMed 20513915; PubMed 22184204.

NM_001277115.2(DNAH11):c.3939C>G (p.Tyr1313Ter)

Gene: DNAH11 (dynein axonemal heavy chain 11; plus strand). Cytogenetic location: 7p15.3.
Variant type: single nucleotide variant.
Coding change: c.3939C>G on transcript NM_001277115.2 (MANE Select); coding-DNA position 3939, C replaced by G.
Protein change: p.Tyr1313Ter; replaces tyrosine 1313 with a stop codon.
Molecular consequence: nonsense.
Genome position (GRCh38, 1-based): chr7:21,615,200, C>G. VCF-style: chr7-21615200-C-G. GRCh37 (hg19) VCF-style: chr7-21654818-C-G.
Other names: c.3939C>G, p.Tyr1313Ter (NM_003777.3); short protein forms Y1313*.
Identifiers: ClinVar variation 2787874 (VCV002787874.3), dbSNP rs376470998, ClinGen allele CA4179826.